The following is an entry in ClinVar:

NM_145046.5(CALR3):c.508C>T (p.His170Tyr)

Gene: CALR3 (calreticulin 3; minus strand). Cytogenetic location: 19p13.11.
Variant type: single nucleotide variant.
Coding change: c.508C>T on transcript NM_145046.5 (MANE Select); coding-DNA position 508, C replaced by T.
Protein change: p.His170Tyr; replaces histidine 170 with tyrosine.
Molecular consequence: missense variant.
Genome position (GRCh38, 1-based): chr19:16,484,100, G>A on the plus strand (C>T on the coding strand, the complement: CALR3 is on the minus strand). VCF-style: chr19-16484100-G-A. GRCh37 (hg19) VCF-style: chr19-16594911-G-A.
Other names: short protein forms H170Y.
Identifiers: ClinVar variation 4736919 (VCV004736919.1).
Genomic context (GRCh38, chr19:16,484,100, plus strand): 5'-ACTGACCATCAATTTTCACATCATAAGAAAGATCTGGTCTTAAAATTAGAGTGTACAGGT[G>A]TGTGAAGCCATCAACCTGCATATTTTAGGGGGAAAAGCGTAACAATTAAATCCTCAATTT-3'
Protein context (NP_659483.2, residues 160-180): LIRCKVDGFT[His170Tyr]LYTLILRPDL

ClinVar aggregate classification (germline): Uncertain significance (1 of 4 stars; one submission).

Conditions:
Hypertrophic cardiomyopathy 19. Also called: Familial hypertrophic cardiomyopathy 19. Identifiers: MedGen CN077603, MONDO:0013476.

gnomAD v4.1: 5 of 1,613,282 alleles (0.00031%); highest among the groups gnomAD compares: African/African-American, 0.004%; no homozygotes.

Submission:

Labcorp Genetics (formerly Invitae), Labcorp
Classification: Uncertain significance for Hypertrophic cardiomyopathy 19. Last evaluated: 2025-03-12. Review status: criteria provided, single submitter. Criteria: Invitae Variant Classification Sherloc (09022015). Collection method: clinical testing. Allele origin: germline.
Comment: This sequence change replaces histidine, which is basic and polar, with tyrosine, which is neutral and polar, at codon 170 of the CALR3 protein (p.His170Tyr). This variant is present in population databases (rs376733366, gnomAD 0.02%). This variant has not been reported in the literature in individuals affected with CALR3-related conditions. Invitae Evidence Modeling of protein sequence and biophysical properties (such as structural, functional, and spatial information, amino acid conservation, physicochemical variation, residue mobility, and thermodynamic stability) indicates that this missense variant is expected to disrupt CALR3 protein function with a positive predictive value of 80%. In summary, the available evidence is currently insufficient to determine the role of this variant in disease. Therefore, it has been classified as a Variant of Uncertain Significance.